The following is an entry in ClinVar:

NM_002225.5(IVD):c.1138+1G>A

Gene: IVD (isovaleryl-CoA dehydrogenase; plus strand). Cytogenetic location: 15q15.1.
Variant type: single nucleotide variant.
Coding change: c.1138+1G>A on transcript NM_002225.5 (MANE Select); the canonical splice donor site of the intron after coding-DNA position 1138, G replaced by A.
Molecular consequence: splice donor variant.
Genome position (GRCh38, 1-based): chr15:40,416,363, G>A. VCF-style: chr15-40416363-G-A. GRCh37 (hg19) VCF-style: chr15-40708562-G-A.
Other names: c.1225+1G>A (NM_001354600.3, NM_001354599.3); c.1138+1G>A (NM_001354598.3, NM_001354601.3); c.1090+1G>A (NM_001354597.3); c.1048+1G>A (NM_001159508.3).
Identifiers: ClinVar variation 1066603 (VCV001066603.11), dbSNP rs1193235415, ClinGen allele CA391723934.
Genomic context (GRCh38, chr15:40,416,363, plus strand): 5'-TGATTCTTTACTCAGCTGAGTGTGCCACACAGGTAGCCCTGGACGGCATTCAGTGTTTTG[G>A]TGAGTGATCCCCACTTCCCAGTCCCGGGGCTCCCTCACTCCTGGGGCCTGTGGCTGCTTC-3'

ClinVar aggregate classification (germline): Pathogenic (1 of 4 stars; one submission).

Conditions:
Isovaleryl-CoA dehydrogenase deficiency (IVA). Also called: ISOVALERIC ACID CoA DEHYDROGENASE DEFICIENCY; IVD DEFICIENCY; Classic Isovaleric Acidemia; Isovaleric acidemia. Identifiers: Orphanet 33, MedGen C0268575, MONDO:0009475, OMIM 243500.

Allele frequency attached by ClinVar (database versions not stated): gnomAD 0.00001.
gnomAD v4.1: 1 of 1,613,636 alleles (0.000062%); highest among the groups gnomAD compares: Admixed American, 0.0017%; no homozygotes.

Submission:

Labcorp Genetics (formerly Invitae), Labcorp
Classification: Pathogenic for Isovaleryl-CoA dehydrogenase deficiency. Last evaluated: 2022-08-19. Review status: criteria provided, single submitter. Criteria: Invitae Variant Classification Sherloc (09022015). Collection method: clinical testing. Allele origin: germline.
Comment: ClinVar contains an entry for this variant (Variation ID: 1066603). For these reasons, this variant has been classified as Pathogenic. This variant disrupts a region of the IVD protein in which other variant(s) (p.Ile405Thr) have been determined to be pathogenic (PMID: 27904153; Invitae). This suggests that this is a clinically significant region of the protein, and that variants that disrupt it are likely to be disease-causing. Variants that disrupt the consensus splice site are a relatively common cause of aberrant splicing (PMID: 17576681, 9536098). Algorithms developed to predict the effect of sequence changes on RNA splicing suggest that this variant may disrupt the consensus splice site. Disruption of this splice site has been observed in individual(s) with isovaleric acidemia (PMID: 31707166). This variant is not present in population databases (gnomAD no frequency). This sequence change affects a donor splice site in intron 11 of the IVD gene. While this variant is not anticipated to result in nonsense mediated decay, it likely alters RNA splicing and results in a disrupted protein product.

Literature cited by the submitters: PubMed 27904153; PubMed 17576681; PubMed 9536098; PubMed 31707166.